The following is an entry in ClinVar:

ClinVar aggregate classification (germline): Uncertain significance (1 of 4 stars; one submission).

gnomAD v4.1: 1 of 1,481,168 alleles (0.000068%); highest among the groups gnomAD compares: South Asian, 0.0013%; no homozygotes.

Submission:

Ambry Genetics
Classification: Uncertain significance. Last evaluated: 2025-02-22. Review status: criteria provided, single submitter. Criteria: Ambry Variant Classification Scheme 2023. Collection method: clinical testing. Allele origin: germline.
Comment: The p.D613H variant (also known as c.1837G>C), located in coding exon 8 of the WNK2 gene, results from a G to C substitution at nucleotide position 1837. The aspartic acid at codon 613 is replaced by histidine, an amino acid with similar properties. This amino acid position is conserved. In addition, the in silico prediction for this alteration is inconclusive. Based on the available evidence, the clinical significance of this variant remains unclear.

NM_006648.4(WNK2):c.1837G>C (p.Asp613His)

Gene: WNK2 (WNK lysine deficient protein kinase 2; plus strand). Cytogenetic location: 9q22.31.
Variant type: single nucleotide variant.
Coding change: c.1837G>C on transcript NM_006648.4 (MANE Select); coding-DNA position 1837, G replaced by C.
Protein change: p.Asp613His; replaces aspartic acid 613 with histidine.
Molecular consequence: missense variant.
Genome position (GRCh38, 1-based): chr9:93,252,885, G>C. VCF-style: chr9-93252885-G-C. GRCh37 (hg19) VCF-style: chr9-96015167-G-C.
Other names: c.1837G>C, p.Asp613His (NM_001282394.3); short protein forms D613H.
Identifiers: ClinVar variation 3817131 (VCV003817131.1).